The following is an entry in ClinVar:

NM_007186.6(CEP250):c.4205C>T (p.Ala1402Val)

Gene: CEP250 (centrosomal protein 250; plus strand). Cytogenetic location: 20q11.22.
Variant type: single nucleotide variant.
Coding change: c.4205C>T on transcript NM_007186.6 (MANE Select); coding-DNA position 4205, C replaced by T.
Protein change: p.Ala1402Val; replaces alanine 1402 with valine.
Molecular consequence: missense variant.
Genome position (GRCh38, 1-based): chr20:35,502,574, C>T. VCF-style: chr20-35502574-C-T. GRCh37 (hg19) VCF-style: chr20-34090402-C-T.
Other names: c.2309C>T, p.Ala770Val (NM_001318219.1); short protein forms A1402V, A770V.
Identifiers: ClinVar variation 1411604 (VCV001411604.6), dbSNP rs2147149811, ClinGen allele CA408747676.

ClinVar aggregate classification (germline): Uncertain significance (1 of 4 stars; one submission).

Submission:

Labcorp Genetics (formerly Invitae), Labcorp
Classification: Uncertain significance. Last evaluated: 2024-10-23. Review status: criteria provided, single submitter. Criteria: Invitae Variant Classification Sherloc (09022015). Collection method: clinical testing. Allele origin: germline.
Comment: This sequence change replaces alanine with valine at codon 1402 of the CEP250 protein (p.Ala1402Val). The alanine residue is moderately conserved and there is a small physicochemical difference between alanine and valine. This variant is not present in population databases (gnomAD no frequency). This variant has not been reported in the literature in individuals affected with CEP250-related conditions. ClinVar contains an entry for this variant (Variation ID: 1411604). An algorithm developed to predict the effect of missense changes on protein structure and function (PolyPhen-2) suggests that this variant is likely to be tolerated. In summary, the available evidence is currently insufficient to determine the role of this variant in disease. Therefore, it has been classified as a Variant of Uncertain Significance.